The following is an entry in ClinVar:

NM_001372.4(DNAH9):c.4149G>A (p.Glu1383=)

Gene: DNAH9 (dynein axonemal heavy chain 9; plus strand). Cytogenetic location: 17p12.
Variant type: single nucleotide variant.
Coding change: c.4149G>A on transcript NM_001372.4 (MANE Select); coding-DNA position 4149, G replaced by A.
Protein change: p.Glu1383=; no amino-acid change (glutamic acid 1383 retained).
Molecular consequence: synonymous variant.
Genome position (GRCh38, 1-based): chr17:11,689,971, G>A. VCF-style: chr17-11689971-G-A. GRCh37 (hg19) VCF-style: chr17-11593288-G-A.
Other names: p.Glu1383=.
Identifiers: ClinVar variation 2080219 (VCV002080219.29), dbSNP rs762112514, ClinGen allele CA8395612.

ClinVar aggregate classification (germline): Likely benign. Review status: criteria provided, multiple submitters, no conflicts (2 of 4 stars). 3 submissions from 3 submitters: Likely benign (3). Last evaluated 2025-12-05.

Allele frequency attached by ClinVar (database versions not stated): gnomAD 0.00008; TOPMed 0.00009; ExAC 0.00010; gnomAD exomes 0.00019.
gnomAD v4.1: 281 of 1,613,826 alleles (0.017%); highest among the groups gnomAD compares: Non-Finnish European, 0.022%; no homozygotes.

Submissions (3):

Mayo Clinic Laboratories, Mayo Clinic
Classification: Likely benign. Last evaluated: 2025-12-05. Review status: criteria provided, single submitter. Criteria: ACMG Guidelines, 2015. Collection method: clinical testing. Allele origin: germline. Observed: 1 variant allele.
Comment: BP4, BP7

Labcorp Genetics (formerly Invitae), Labcorp
Classification: Likely benign. Last evaluated: 2025-09-28. Review status: criteria provided, single submitter. Criteria: Invitae Variant Classification Sherloc (09022015). Collection method: clinical testing. Allele origin: germline.

CeGaT Center for Human Genetics Tuebingen
Classification: Likely benign. Last evaluated: 2023-03-01. Review status: criteria provided, single submitter. Criteria: CeGaT Center For Human Genetics Tuebingen Variant Classification Criteria Version 2. Collection method: clinical testing. Allele origin: germline. Affected: yes. Observed: 1 variant allele.
Comment: DNAH9: BP4, BP7